The following is an entry in ClinVar:

ClinVar aggregate classification (germline): Uncertain significance (1 of 4 stars; one submission).

Conditions:
Emery-Dreifuss muscular dystrophy 4, autosomal dominant (EDMD4). Also called: EMERY-DREIFUSS MUSCULAR DYSTROPHY 4 WITH VARIABLE FEATURES. Identifiers: Orphanet 261, MedGen C2751807, MONDO:0013071, OMIM 612998.
Autosomal recessive ataxia, Beauce type. Also called: Spinocerebellar ataxia, autosomal recessive 8; ATAXIA, RECESSIVE, OF BEAUCE; SYNE1-Related Autosomal Recessive Cerebellar Ataxia; SYNE1 Deficiency. Identifiers: Orphanet 88644, MedGen C1853116, MONDO:0012549, OMIM 610743.

Submission:

Labcorp Genetics (formerly Invitae), Labcorp
Classification: Uncertain significance for Emery-Dreifuss muscular dystrophy 4, autosomal dominant; Autosomal recessive ataxia, Beauce type. Last evaluated: 2022-06-04. Review status: criteria provided, single submitter. Criteria: Invitae Variant Classification Sherloc (09022015). Collection method: clinical testing. Allele origin: germline.
Comment: This sequence change replaces glutamic acid, which is acidic and polar, with valine, which is neutral and non-polar, at codon 7302 of the SYNE1 protein (p.Glu7302Val). This variant is not present in population databases (gnomAD no frequency). This variant has not been reported in the literature in individuals affected with SYNE1-related conditions. ClinVar contains an entry for this variant (Variation ID: 654510). Algorithms developed to predict the effect of missense changes on protein structure and function are either unavailable or do not agree on the potential impact of this missense change (SIFT: "Tolerated"; PolyPhen-2: "Possibly Damaging"; Align-GVGD: "Class C0"). Algorithms developed to predict the effect of sequence changes on RNA splicing suggest that this variant may create or strengthen a splice site. In summary, the available evidence is currently insufficient to determine the role of this variant in disease. Therefore, it has been classified as a Variant of Uncertain Significance.

NM_182961.4(SYNE1):c.22118A>T (p.Glu7373Val)

Gene: SYNE1 (spectrin repeat containing nuclear envelope protein 1; minus strand). Cytogenetic location: 6q25.2.
Variant type: single nucleotide variant.
Coding change: c.22118A>T on transcript NM_182961.4 (MANE Select); coding-DNA position 22118, A replaced by T.
Protein change: p.Glu7373Val; replaces glutamic acid 7373 with valine.
Molecular consequence: missense variant.
Genome position (GRCh38, 1-based): chr6:152,218,330, T>A on the plus strand (A>T on the coding strand, the complement: SYNE1 is on the minus strand). VCF-style: chr6-152218330-T-A. GRCh37 (hg19) VCF-style: chr6-152539465-T-A.
Other names: c.21905A>T, p.Glu7302Val (NM_033071.5); short protein forms E7302V, E7373V.
Identifiers: ClinVar variation 654510 (VCV000654510.8), dbSNP rs1588067419, ClinGen allele CA366102503.
Genomic context (GRCh38, chr6:152,218,330, plus strand): 5'-ATCCTTTCCTGGATTGTGGAGAGGTCAGATGAGTGGCTAGGGTCCTGCCCTTGTAGTATT[T>A]CTTCAGCTTCCACTATCCAGGCCTCCAAAGCTTCTAAACTCTTGGCAAAGGTTTCATAAT-3'
Protein context (NP_892006.3, residues 7363-7383): ALEAWIVEAE[Glu7373Val]ILQGQDPSHS